The following is an entry in ClinVar:

ClinVar aggregate classification (germline): Uncertain significance (1 of 4 stars; one submission).

Conditions:
Immunodeficiency 101 (varicella zoster virus-specific). Identifiers: MedGen C5676983, MONDO:0030813, OMIM 619872.

Submission:

Laboratorio de Genetica e Diagnostico Molecular, Hospital Israelita Albert Einstein
Classification: Uncertain significance for Immunodeficiency 101 (varicella zoster virus-specific). Last evaluated: 2024-03-08. Review status: criteria provided, single submitter. Criteria: ACMG Guidelines, 2015. Collection method: clinical testing. Allele origin: germline. Affected: yes.
Comment: ACMG classification criteria: PM2 supporting, BP4 supporting

NM_006466.4(POLR3F):c.829A>C (p.Ile277Leu)

Gene: POLR3F (RNA polymerase III subunit F; plus strand). Cytogenetic location: 20p11.23.
Variant type: single nucleotide variant.
Coding change: c.829A>C on transcript NM_006466.4 (MANE Select); coding-DNA position 829, A replaced by C.
Protein change: p.Ile277Leu; replaces isoleucine 277 with leucine.
Molecular consequence: missense variant. On other transcripts: non-coding transcript variant (1).
Genome position (GRCh38, 1-based): chr20:18,481,766, A>C. VCF-style: chr20-18481766-A-C. GRCh37 (hg19) VCF-style: chr20-18462410-A-C.
Other names: c.706A>C, p.Ile236Leu (NM_001282526.2); c.685A>C, p.Ile229Leu (NM_001410821.1); short protein forms I229L, I236L, I277L.
Identifiers: ClinVar variation 4056758 (VCV004056758.1).